The following is an entry in ClinVar:

NM_021922.3(FANCE):c.266G>C (p.Arg89Pro)

Gene: FANCE (FA complementation group E; plus strand). Cytogenetic location: 6p21.31.
Variant type: single nucleotide variant.
Coding change: c.266G>C on transcript NM_021922.3 (MANE Select); coding-DNA position 266, G replaced by C.
Protein change: p.Arg89Pro; replaces arginine 89 with proline.
Molecular consequence: missense variant.
Genome position (GRCh38, 1-based): chr6:35,455,764, G>C. VCF-style: chr6-35455764-G-C. GRCh37 (hg19) VCF-style: chr6-35423541-G-C.
Other names: short protein forms R89P.
Identifiers: ClinVar variation 1351105 (VCV001351105.8), dbSNP rs45600543, ClinGen allele CA363772368.

ClinVar aggregate classification (germline): Uncertain significance (1 of 4 stars; one submission).

Conditions:
Fanconi anemia complementation group E (FANCE). Also called: FANCE-Related Fanconi Anemia. Identifiers: Orphanet 84, MedGen C3160739, MONDO:0010953, OMIM 600901.

Submission:

Labcorp Genetics (formerly Invitae), Labcorp
Classification: Uncertain significance for Fanconi anemia complementation group E. Last evaluated: 2022-08-15. Review status: criteria provided, single submitter. Criteria: Invitae Variant Classification Sherloc (09022015). Collection method: clinical testing. Allele origin: germline.
Comment: In summary, the available evidence is currently insufficient to determine the role of this variant in disease. Therefore, it has been classified as a Variant of Uncertain Significance. Algorithms developed to predict the effect of missense changes on protein structure and function are either unavailable or do not agree on the potential impact of this missense change (SIFT: "Tolerated"; PolyPhen-2: "Possibly Damaging"; Align-GVGD: "Class C0"). ClinVar contains an entry for this variant (Variation ID: 1351105). This variant has not been reported in the literature in individuals affected with FANCE-related conditions. This variant is not present in population databases (gnomAD no frequency). This sequence change replaces arginine, which is basic and polar, with proline, which is neutral and non-polar, at codon 89 of the FANCE protein (p.Arg89Pro).